The following is an entry in ClinVar:

NM_000435.3(NOTCH3):c.6238C>T (p.Arg2080Trp)

Gene: NOTCH3 (notch receptor 3; minus strand). Cytogenetic location: 19p13.12.
Variant type: single nucleotide variant.
Coding change: c.6238C>T on transcript NM_000435.3 (MANE Select); coding-DNA position 6238, C replaced by T.
Protein change: p.Arg2080Trp; replaces arginine 2080 with tryptophan.
Molecular consequence: missense variant.
Genome position (GRCh38, 1-based): chr19:15,161,390, G>A on the plus strand (C>T on the coding strand, the complement: NOTCH3 is on the minus strand). VCF-style: chr19-15161390-G-A. GRCh37 (hg19) VCF-style: chr19-15272201-G-A.
Other names: p.Arg2080Trp; c.6238C>T (NM_000435.2); short protein forms R2080W.
Identifiers: ClinVar variation 1565767 (VCV001565767.12), dbSNP rs113178142, ClinGen allele CA305758470.

ClinVar aggregate classification (germline): Conflicting classifications of pathogenicity. Review status: criteria provided, conflicting classifications (1 of 4 stars). 5 submissions from 5 submitters: Uncertain significance (2); Likely benign (3). Last evaluated 2026-07-07.

Conditions:
Inborn genetic diseases. Identifiers: MedGen C0950123, MeSH D030342.
NOTCH3-related disorder. Also called: NOTCH3-related condition; NOTCH3-related disorders.

Allele frequency attached by ClinVar (database versions not stated): TOPMed 0.00011; gnomAD exomes 0.00005; gnomAD 0.00010 and 0.00011.
gnomAD v4.1: 82 of 1,520,524 alleles (0.0054%); highest among the groups gnomAD compares: African/African-American, 0.022%; no homozygotes.

Submissions (5):

PreventionGenetics, part of Exact Sciences
Classification: Uncertain significance for NOTCH3-related condition. Last evaluated: 2026-07-07. Review status: criteria provided, single submitter. Criteria: ACMG Guidelines, 2015. Collection method: clinical testing. Allele origin: germline.
Comment: The NOTCH3 c.6238C>T variant is predicted to result in the amino acid substitution p.Arg2080Trp. To our knowledge, this variant has not been reported in the literature. This variant is reported in 0.041% of alleles in individuals of African descent in gnomAD. At this time, the clinical significance of this variant is uncertain due to the absence of conclusive functional and genetic evidence.

Mayo Clinic Laboratories, Mayo Clinic
Classification: Likely benign. Last evaluated: 2025-07-15. Review status: criteria provided, single submitter. Criteria: ACMG Guidelines, 2015. Collection method: clinical testing. Allele origin: germline. Observed: 1 variant allele.
Comment: BS2, BP1

Labcorp Genetics (formerly Invitae), Labcorp
Classification: Likely benign. Last evaluated: 2025-06-04. Review status: criteria provided, single submitter. Criteria: Invitae Variant Classification Sherloc (09022015). Collection method: clinical testing. Allele origin: germline.

Athena Diagnostics
Classification: Likely benign. Last evaluated: 2024-01-05. Review status: criteria provided, single submitter. Criteria: Athena Diagnostics Criteria. Collection method: clinical testing. Allele origin: unknown.

Ambry Genetics
Classification: Uncertain significance for Inborn genetic diseases. Last evaluated: 2023-12-20. Review status: criteria provided, single submitter. Criteria: Ambry Variant Classification Scheme 2023. Collection method: clinical testing. Allele origin: germline.

Literature cited by the submitters: PubMed 29338072 (cited by Athena Diagnostics).